The following is an entry in ClinVar:

NM_006231.4(POLE):c.3739C>A (p.Pro1247Thr)

Gene: POLE (DNA polymerase epsilon, catalytic subunit; minus strand). Cytogenetic location: 12q24.33.
Variant type: single nucleotide variant.
Coding change: c.3739C>A on transcript NM_006231.4 (MANE Select); coding-DNA position 3739, C replaced by A.
Protein change: p.Pro1247Thr; replaces proline 1247 with threonine.
Molecular consequence: missense variant.
Genome position (GRCh38, 1-based): chr12:132,649,733, G>T on the plus strand (C>A on the coding strand, the complement: POLE is on the minus strand). VCF-style: chr12-132649733-G-T. GRCh37 (hg19) VCF-style: chr12-133226319-G-T.
Other names: short protein forms P1247T.
Identifiers: ClinVar variation 4862222 (VCV004862222.1).
Genomic context (GRCh38, chr12:132,649,733, plus strand): 5'-TTACCTGGCTGGTTCCCAGGGCGGGAGGCTGCCCCAAGATTTCCTGCCAGGGCACAGTCG[G>T]CGTGAGGTCCTGGGACTCCTCCTGGCTCTCCCAAAGAACTCGCTTCCTCTTCACAGTGAC-3'
Protein context (NP_006222.2, residues 1237-1257): ESQEESQDLT[Pro1247Thr]TVPWQEILGQ

ClinVar aggregate classification (germline): Uncertain significance (1 of 4 stars; one submission).

Conditions:
Hereditary cancer-predisposing syndrome. Also called: Neoplastic Syndromes, Hereditary; Tumor predisposition; Hereditary Cancer Syndrome; Hereditary neoplastic syndrome. Identifiers: Orphanet 140162, MedGen C0027672, MeSH D009386, MONDO:0015356.

Submission:

Ambry Genetics
Classification: Uncertain significance for Hereditary cancer-predisposing syndrome. Last evaluated: 2026-06-02. Review status: criteria provided, single submitter. Criteria: Ambry Variant Classification Scheme 2023. Collection method: clinical testing. Allele origin: germline.
Comment: The p.P1247T variant (also known as c.3739C>A), located in coding exon 30 of the POLE gene, results from a C to A substitution at nucleotide position 3739. The proline at codon 1247 is replaced by threonine, an amino acid with highly similar properties. This amino acid position is conserved. In addition, this alteration is predicted to be tolerated by in silico analysis. Based on the available evidence, the clinical significance of this variant remains unclear.